The following is an entry in ClinVar:

NM_004937.3(CTNS):c.506dup (p.Phe170fs)

Genes: CTNS (cystinosin, lysosomal cystine transporter; plus strand), CTNS-AS1 (CTNS antisense RNA 1; minus strand). Cytogenetic location: 17p13.2.
Variant type: Duplication.
Coding change: c.506dup on transcript NM_004937.3 (MANE Select); coding-DNA position 506, one base duplicated (G; older notation c.506dupG).
Protein change: p.Phe170fs; shifts the reading frame from phenylalanine 170.
Molecular consequence: frameshift variant.
Genome position (GRCh38, 1-based): chr17:3,656,531, G duplicated; the last of 3 consecutive G bases (chr17:3,656,529-3,656,531); duplicating any one gives the same sequence. VCF-style (leftmost placement, unchanged base first): chr17-3656528-C-CG. GRCh37 (hg19) VCF-style: chr17-3559822-C-CG.
Other names: c.506dup, p.Phe170fs (NM_001031681.3, NM_001374492.1); c.65dup, p.Phe23fs (NM_001374493.1, NM_001374494.1, NM_001374495.1 and 1 more transcripts); short protein forms F170fs, F23fs.
Identifiers: ClinVar variation 5011969 (VCV005011969.1).

ClinVar aggregate classification (germline): Pathogenic (1 of 4 stars; one submission).

Conditions:
Cystinosis. Also called: Cystine diathesis; Cystine storage disease; Cystinoses. Identifiers: Orphanet 213, MedGen C4316899, MONDO:0016239.

Submission:

Myriad Genetics, Inc.
Classification: Pathogenic for Cystinosis. Last evaluated: 2023-09-27. Review status: criteria provided, single submitter. Criteria: Myriad Autosomal Dominant, Autosomal Recessive and X-Linked Classification Criteria (2023). Collection method: clinical testing. Allele origin: unknown.
Comment: NM_004937.2(CTNS):c.506dupG(F170Lfs*58) is expected to be pathogenic in the context of cystinosis. This variant is predicted to lead to an abnormal or absent protein product due to the creation of a premature termination codon in CTNS, a gene where loss-of-function variants are known to be pathogenic. Please note: this variant was assessed in the context of healthy population screening.